The following is an entry in ClinVar:

ClinVar aggregate classification (germline): Uncertain significance. Review status: criteria provided, multiple submitters, no conflicts (2 of 4 stars). 2 submissions from 2 submitters: Uncertain significance (2). Last evaluated 2025-10-09.

Conditions:
Cardiovascular phenotype. Identifiers: MedGen CN230736.
Hereditary cancer-predisposing syndrome. Also called: Neoplastic Syndromes, Hereditary; Hereditary neoplastic syndrome; Hereditary Cancer Syndrome; Tumor predisposition. Identifiers: Orphanet 140162, MedGen C0027672, MeSH D009386, MONDO:0015356.
Neurofibromatosis, type 1 (NF1). Also called: VON RECKLINGHAUSEN DISEASE; NEUROFIBROMATOSIS, TYPE I, SOMATIC; Peripheral type neurofibromatosis; Neurofibromatosis, type I. Identifiers: Orphanet 636, MedGen C0027831, MONDO:0018975, OMIM 162200. Disease mechanism: loss of function.

gnomAD v4.1: 3 of 1,614,136 alleles (0.00019%); highest among the groups gnomAD compares: Non-Finnish European, 0.00025%; no homozygotes.

Submissions (2):

Ambry Genetics
Classification: Uncertain significance for Cardiovascular phenotype; Hereditary cancer-predisposing syndrome. Last evaluated: 2025-10-09. Review status: criteria provided, single submitter. Criteria: Ambry Variant Classification Scheme 2023. Collection method: clinical testing. Allele origin: germline.
Comment: The p.I1799V variant (also known as c.5395A>G), located in coding exon 37 of the NF1 gene, results from an A to G substitution at nucleotide position 5395. The isoleucine at codon 1799 is replaced by valine, an amino acid with highly similar properties. This amino acid position is conserved. In addition, the in silico prediction for this alteration is inconclusive. Based on the available evidence, the clinical significance of this variant remains unclear.

Labcorp Genetics (formerly Invitae), Labcorp
Classification: Uncertain significance for Neurofibromatosis, type 1. Last evaluated: 2024-08-18. Review status: criteria provided, single submitter. Criteria: Invitae Variant Classification Sherloc (09022015). Collection method: clinical testing. Allele origin: germline.
Comment: This sequence change replaces isoleucine, which is neutral and non-polar, with valine, which is neutral and non-polar, at codon 1799 of the NF1 protein (p.Ile1799Val). This variant is not present in population databases (gnomAD no frequency). This variant has not been reported in the literature in individuals affected with NF1-related conditions. ClinVar contains an entry for this variant (Variation ID: 659283). Invitae Evidence Modeling of protein sequence and biophysical properties (such as structural, functional, and spatial information, amino acid conservation, physicochemical variation, residue mobility, and thermodynamic stability) indicates that this missense variant is expected to disrupt NF1 protein function with a positive predictive value of 95%. In summary, the available evidence is currently insufficient to determine the role of this variant in disease. Therefore, it has been classified as a Variant of Uncertain Significance.

NM_001042492.3(NF1):c.5458A>G (p.Ile1820Val)

Gene: NF1 (neurofibromin 1; plus strand). Cytogenetic location: 17q11.2.
Variant type: single nucleotide variant.
Coding change: c.5458A>G on transcript NM_001042492.3 (MANE Select); coding-DNA position 5458, A replaced by G.
Protein change: p.Ile1820Val; replaces isoleucine 1820 with valine.
Molecular consequence: missense variant.
Genome position (GRCh38, 1-based): chr17:31,327,688, A>G. VCF-style: chr17-31327688-A-G. GRCh37 (hg19) VCF-style: chr17-29654706-A-G.
Other names: c.5395A>G, p.Ile1799Val (NM_000267.4); short protein forms I1799V, I1820V.
Identifiers: ClinVar variation 659283 (VCV000659283.11), dbSNP rs786202459, ClinGen allele CA399009489.